The following is an entry in ClinVar:

ClinVar aggregate classification (germline): Uncertain significance (1 of 4 stars; one submission).

Submission:

GeneDx
Classification: Uncertain significance. Last evaluated: 2024-03-06. Review status: criteria provided, single submitter. Criteria: GeneDx Variant Classification Process June 2021. Collection method: clinical testing. Allele origin: germline. Affected: yes.
Comment: Not observed at significant frequency in large population cohorts (gnomAD); In silico analysis supports that this missense variant has a deleterious effect on protein structure/function; Has not been previously published as pathogenic or benign to our knowledge

NM_001007553.3(CSDE1):c.1655A>T (p.Asp552Val)

Gene: CSDE1 (cold shock domain containing E1; minus strand). Cytogenetic location: 1p13.2.
Variant type: single nucleotide variant.
Coding change: c.1655A>T on transcript NM_001007553.3 (MANE Select); coding-DNA position 1655, A replaced by T.
Protein change: p.Asp552Val; replaces aspartic acid 552 with valine.
Molecular consequence: missense variant.
Genome position (GRCh38, 1-based): chr1:114,725,319, T>A on the plus strand (A>T on the coding strand, the complement: CSDE1 is on the minus strand). VCF-style: chr1-114725319-T-A. GRCh37 (hg19) VCF-style: chr1-115267940-T-A.
Other names: c.1700A>T, p.Asp567Val (NM_001130523.3); c.1793A>T, p.Asp598Val (NM_001242891.2); c.1655A>T, p.Asp552Val (NM_001242892.2); c.1562A>T, p.Asp521Val (NM_001242893.2, NM_007158.6); short protein forms D521V, D552V, D567V, D598V.
Identifiers: ClinVar variation 3370558 (VCV003370558.1).
Genomic context (GRCh38, chr1:114,725,319, plus strand): 5'-TTGCCTTTGCCTTTGGACAAGCTATACTCGACCATGTCCCCCAGTTCCAGGCTATCAACA[T>A]CACCAGAGAACTCACTAAGGAGAAAGGAAATGACATTTAACTAAACATTACCATAAACAT-3'
Protein context (NP_001007554.1, residues 542-562): IFFHYSEFSG[Asp552Val]VDSLELGDMV